The following is an entry in ClinVar:

NM_001374828.1(ARID1B):c.5636_5639del (p.Glu1879fs)

Gene: ARID1B (AT-rich interaction domain 1B; plus strand). Cytogenetic location: 6q25.3.
Variant type: Deletion.
Coding change: c.5636_5639del on transcript NM_001374828.1 (MANE Select); coding-DNA positions 5636 to 5639, 4 bases deleted (AAAG; older notation c.5636_5639delAAAG).
Protein change: p.Glu1879fs; shifts the reading frame from glutamic acid 1879.
Molecular consequence: frameshift variant.
Genome position (GRCh38, 1-based): chr6:157,206,408-157,206,411, AAAG deleted; deleting any 4 consecutive bases within chr6:157,206,406-157,206,411 gives the same sequence; the c. name uses the placement nearest the transcript's 3' end. VCF-style (leftmost placement, unchanged base first): chr6-157206405-CAGAA-C. GRCh37 (hg19) VCF-style: chr6-157527539-CAGAA-C.
Other names: c.5267_5270del, p.Glu1756fs (NM_020732.3); c.5387_5390del (NM_001346813.1); c.5228_5231delAAAG (NM_017519.2); c.3137_3140del, p.Glu1046fs (NM_001363725.2); c.5516_5519del, p.Glu1839fs (NM_001371656.1, NM_001374820.1); c.5477_5480del, p.Glu1826fs (NM_017519.3); short protein forms E1756fs, E1839fs, E1046fs, E1826fs, E1879fs.
Identifiers: ClinVar variation 689668 (VCV000689668.15), dbSNP rs1583513256, ClinGen allele CA658784858.

ClinVar aggregate classification (germline): Pathogenic/Likely pathogenic. Review status: criteria provided, multiple submitters, no conflicts (2 of 4 stars). 11 submissions from 11 submitters: Pathogenic (10); Likely pathogenic (1). Last evaluated 2025-06-17.

Conditions:
Marfanoid habitus and intellectual disability. Identifiers: MedGen CN263130.
Coffin-Siris syndrome 1 (CSS1). Also called: ARID1B-Related Coffin-Siris Syndrome; Mental retardation, autosomal dominant 12. Identifiers: Orphanet 1465, MedGen C3281201, MONDO:0007617, OMIM 135900. Disease mechanism: gain of function.
Severe combined immunodeficiency due to DCLRE1C deficiency (RS-SCID). Also called: SCID, AUTOSOMAL RECESSIVE, T CELL-NEGATIVE, B CELL-NEGATIVE, NK CELL-POSITIVE, WITH SENSITIVITY TO IONIZING RADIATION. Identifiers: Orphanet 275, MedGen C1865371, MONDO:0011225, OMIM 602450.

Submissions (11):

Labcorp Genetics (formerly Invitae), Labcorp
Classification: Pathogenic. Last evaluated: 2025-06-17. Review status: criteria provided, single submitter. Criteria: Invitae Variant Classification Sherloc (09022015). Collection method: clinical testing. Allele origin: germline.
Comment: This sequence change creates a premature translational stop signal (p.Glu1756Alafs*9) in the ARID1B gene. While this is not anticipated to result in nonsense mediated decay, it is expected to disrupt the last 494 amino acid(s) of the ARID1B protein. This variant is not present in population databases (gnomAD no frequency). This premature translational stop signal has been observed in individual(s) with Coffin-Siris syndrome (PMID: 27474218, 30349098). In at least one individual the variant was observed to be de novo. ClinVar contains an entry for this variant (Variation ID: 689668). For these reasons, this variant has been classified as Pathogenic.

Genomic Medicine Center of Excellence, King Faisal Specialist Hospital and Research Centre
Classification: Pathogenic for Severe combined immunodeficiency due to DCLRE1C deficiency. Last evaluated: 2024-09-22. Review status: criteria provided, single submitter. Criteria: ACMG Guidelines, 2015. Collection method: clinical testing. Allele origin: germline.

GeneDx
Classification: Pathogenic. Last evaluated: 2024-03-14. Review status: criteria provided, single submitter. Criteria: GeneDx Variant Classification Process June 2021. Collection method: clinical testing. Allele origin: germline. Affected: yes.
Comment: Frameshift variant predicted to result in abnormal protein length as the last 494 amino acids are replaced with 8 different amino acids, and other similar variants have been reported in HGMD; Not observed at significant frequency in large population cohorts (gnomAD); This variant is associated with the following publications: (PMID: 25533962, 28191890, 32277047, 31785789, 28191889, 35982159, 31028937, 28726809, 27474218, 30349098, 31130284)

Victorian Clinical Genetics Services, Murdoch Childrens Research Institute
Classification: Pathogenic for Coffin-Siris syndrome 1. Last evaluated: 2023-12-21. Review status: criteria provided, single submitter. Criteria: ACMG Guidelines, 2015. Collection method: clinical testing. Allele origin: germline. Inheritance: Autosomal dominant inheritance. Affected: yes.
Comment: Based on the classification scheme VCGS_Germline_v1.3.4, this variant is classified as Pathogenic. Following criteria are met: 0102 - Loss of function is a known mechanism of disease in this gene and is associated with Coffin-Siris syndrome 1 (MIM#135900). (I) 0107 - This gene is associated with autosomal dominant disease. (I) 0115 - Variants in this gene are known to have variable expressivity (PMID:33768696). (I) 0205 - Variant is predicted to result in a truncated protein (premature termination codon is NOT located at least 54 nucleotides upstream of the final exon-exon junction) with less than 1/3 of the protein sequence affected. (SP) 0251 - This variant is heterozygous. (I) 0301 - Variant is absent from gnomAD (both v2 and v3). (SP) 0600 - Variant is located in the annotated BAF250_C domain (NCBI). (I) 0701 - Other premature termination variants comparable to the one identified in this case have very strong previous evidence for pathogenicity. Multiple protein truncating variants downstream of this variant are pathogenic for Coffin-Siris syndrome 1 (DECIPHER, ClinVar). (SP) 0801 - This variant has strong previous evidence of pathogenicity in unrelated individuals. This variant has been reported many times as pathogenic and has been reported as de novo in three unrelated individuals with Coffin-Siris syndrome 1 (ClinVar, PMIDs: 25533962, 28726809, 32277047). (SP) Legend: (SP) - Supporting pathogenic, (I) - Information, (SB) - Supporting benign

Revvity Omics, Revvity
Classification: Pathogenic for Coffin-Siris syndrome 1. Last evaluated: 2022-10-05. Review status: criteria provided, single submitter. Criteria: ACMG Guidelines, 2015. Collection method: clinical testing. Allele origin: germline.

3billion
Classification: Pathogenic for Coffin-Siris syndrome 1. Last evaluated: 2021-10-02. Review status: criteria provided, single submitter. Criteria: ACMG Guidelines, 2015. Collection method: clinical testing. Allele origin: unknown. Affected: yes. Observed: 1 heterozygote.
Comment: Frameshift: predicted to result in a loss or disruption of normal protein function through nonsense-mediated decay (NMD) or protein truncation. Multiple pathogenic variants are reported downstream of the variant (PVS1_VS). It is not observed in the gnomAD v2.1.1 dataset (PM2). The variant has been reported as pathogenic (ClinVar ID: VCV000689668.2). Therefore, this variant is classified as pathogenic according to the recommendation of ACMG/AMP guideline.

MGZ Medical Genetics Center
Classification: Pathogenic for Coffin-Siris syndrome 1. Last evaluated: 2021-08-09. Review status: criteria provided, single submitter. Criteria: ACMG Guidelines, 2015. Collection method: clinical testing. Allele origin: germline. Affected: yes. Observed: 1 variant allele.
Comment: ACMG criteria applied: PVS1_STR, PS2, PM2_SUP

Genome-Nilou Lab
Classification: Pathogenic for Coffin-Siris syndrome 1. Last evaluated: 2021-07-15. Review status: criteria provided, single submitter. Criteria: ACMG Guidelines, 2015. Collection method: clinical testing. Allele origin: germline. Affected: no.

Illumina Laboratory Services, Illumina
Classification: Pathogenic for Coffin-Siris syndrome 1. Last evaluated: 2017-09-12. Review status: criteria provided, single submitter. Criteria: ICSLVariantClassificationCriteria RUGD 01 April 2020. Collection method: clinical testing. Allele origin: unknown.
Comment: The ARID1B c.5267_5270delAAAG p.(Glu1756AlafsTer9) variant causes a shift in the protein reading frame that is predicted to result in premature termination of the protein. Loss of normal protein function through either protein truncation or nonsense-mediated mRNA decay is expected. To our knowledge, this variant has not been reported in the peer-reviewed literature. This variant is not observed in version 2.1.1 of the Genome Aggregation Database. Based on the available evidence, the c.5267_5270delAAAG p.(Glu1756AlafsTer9) variant is classified as pathogenic for Coffin-Siris syndrome.

Clinical Genetics and Genomics, Karolinska University Hospital
Classification: Pathogenic. Last evaluated: 2017-03-22. Review status: criteria provided, single submitter. Criteria: ACMG Guidelines, 2015. Collection method: clinical testing. Allele origin: germline. Affected: yes. Observed: 1 variant allele.

Equipe Genetique des Anomalies du Developpement, Université de Bourgogne
Classification: Likely pathogenic for Marfanoid habitus and intellectual disability. Review status: criteria provided, single submitter. Criteria: ACMG Guidelines, 2015. Collection method: research. Allele origin: de novo. Affected: yes.

Literature cited by the submitters: PubMed 27474218 (cited by Labcorp Genetics (formerly Invitae), Labcorp); PubMed 30349098 (cited by Labcorp Genetics (formerly Invitae), Labcorp); PubMed 25533962 (cited by Victorian Clinical Genetics Services, Murdoch Childrens Research Institute); PubMed 28726809 (cited by Victorian Clinical Genetics Services, Murdoch Childrens Research Institute); PubMed 32277047 (cited by Victorian Clinical Genetics Services, Murdoch Childrens Research Institute); PubMed 33768696 (cited by Victorian Clinical Genetics Services, Murdoch Childrens Research Institute).